The following is an entry in ClinVar:

ClinVar aggregate classification (germline): Uncertain significance. Review status: criteria provided, multiple submitters, no conflicts (2 of 4 stars). 2 submissions from 2 submitters: Uncertain significance (2). Last evaluated 2025-07-16.

Conditions:
Emery-Dreifuss muscular dystrophy 5, autosomal dominant (EDMD5). Also called: EMERY-DREIFUSS MUSCULAR DYSTROPHY 5. Identifiers: Orphanet 261, MedGen C2751805, MONDO:0013072, OMIM 612999.

Allele frequency attached by ClinVar (database versions not stated): gnomAD exomes below 0.00001; TOPMed 0.00001; gnomAD 0.00002.
gnomAD v4.1: 9 of 1,614,114 alleles (0.00056%); highest among the groups gnomAD compares: African/African-American, 0.0027%; no homozygotes.

Submissions (2):

Ambry Genetics
Classification: Uncertain significance. Last evaluated: 2025-07-16. Review status: criteria provided, single submitter. Criteria: Ambry Variant Classification Scheme 2023. Collection method: clinical testing. Allele origin: germline.

Labcorp Genetics (formerly Invitae), Labcorp
Classification: Uncertain significance for Emery-Dreifuss muscular dystrophy 5, autosomal dominant. Last evaluated: 2025-02-20. Review status: criteria provided, single submitter. Criteria: Invitae Variant Classification Sherloc (09022015). Collection method: clinical testing. Allele origin: germline.
Comment: This sequence change replaces proline, which is neutral and non-polar, with arginine, which is basic and polar, at codon 6501 of the SYNE2 protein (p.Pro6501Arg). This variant is present in population databases (no rsID available, gnomAD 0.007%). This variant has not been reported in the literature in individuals affected with SYNE2-related conditions. ClinVar contains an entry for this variant (Variation ID: 957339). An algorithm developed to predict the effect of missense changes on protein structure and function (PolyPhen-2) suggests that this variant is likely to be disruptive. In summary, the available evidence is currently insufficient to determine the role of this variant in disease. Therefore, it has been classified as a Variant of Uncertain Significance.

NM_182914.3(SYNE2):c.19502C>G (p.Pro6501Arg)

Gene: SYNE2 (spectrin repeat containing nuclear envelope protein 2; plus strand). Cytogenetic location: 14q23.2.
Variant type: single nucleotide variant.
Coding change: c.19502C>G on transcript NM_182914.3 (MANE Select); coding-DNA position 19502, C replaced by G.
Protein change: p.Pro6501Arg; replaces proline 6501 with arginine.
Molecular consequence: missense variant.
Genome position (GRCh38, 1-based): chr14:64,216,347, C>G. VCF-style: chr14-64216347-C-G. GRCh37 (hg19) VCF-style: chr14-64683065-C-G.
Other names: c.19433C>G, p.Pro6478Arg (NM_015180.6); c.26C>G, p.Pro9Arg (NM_182910.2); c.404C>G, p.Pro135Arg (NM_182913.4); short protein forms P135R, P9R, P6478R, P6501R.
Identifiers: ClinVar variation 957339 (VCV000957339.10), dbSNP rs763965173, ClinGen allele CA389960110.